The following is an entry in ClinVar:

ClinVar aggregate classification (germline): Conflicting classifications of pathogenicity. Review status: criteria provided, conflicting classifications (1 of 4 stars). 15 submissions from 14 submitters: Likely pathogenic (1); Uncertain significance (10); Likely benign (2). 2 of the submissions do not count toward it. Last evaluated 2026-04-01.

Conditions:
Hereditary cancer-predisposing syndrome. Also called: Neoplastic Syndromes, Hereditary; Hereditary neoplastic syndrome; Hereditary Cancer Syndrome; Tumor predisposition. Identifiers: Orphanet 140162, MedGen C0027672, MeSH D009386, MONDO:0015356.
Fumarase deficiency (FMRD). Also called: Fumarate Hydratase Deficiency; Fumaric aciduria. Identifiers: Orphanet 24, MedGen C0342770, MONDO:0011730, OMIM 606812.
Microcephaly. Also called: Microcephaly (disease). Identifiers: MedGen C4551563, MONDO:0001149, HP:0000252.
FH-related disorder. Also called: FH-related condition; FH-related disorders.
Hereditary leiomyomatosis and renal cell cancer. Also called: LEIOMYOMA, MULTIPLE CUTANEOUS; Familial leiomyomatosis; FH tumor predisposition syndrome; MULTIPLE CUTANEOUS AND UTERINE LEIOMYOMATA 1, WITH OR WITHOUT RENAL CELL CARCINOMA; Reed syndrome; Multiple cutaneous and uterine leiomyomatosis. Identifiers: Orphanet 523, MedGen C1708350, MONDO:0007888, OMIM 150800, HP:0007437. Disease mechanism: loss of function.
Ovarian cancer. Also called: OVARIAN CANCER, SOMATIC. Identifiers: Orphanet 213500, MedGen C1140680, MONDO:0008170, OMIM 167000.

Allele frequency attached by ClinVar (database versions not stated): gnomAD 0.00001; TOPMed 0.00001; gnomAD exomes 0.00002 and 0.00003; ExAC 0.00004.
gnomAD v4.1: 32 of 1,613,570 alleles (0.002%); highest among the groups gnomAD compares: East Asian, 0.018%; no homozygotes.

Submissions (16):

PreventionGenetics, part of Exact Sciences
Classification: Uncertain significance for FH-related condition. Last evaluated: 2026-04-01. Review status: criteria provided, single submitter. Criteria: ACMG Guidelines, 2015. Collection method: clinical testing. Allele origin: germline.
Comment: The FH c.415G>A variant is predicted to result in the amino acid substitution p.Val139Met. This variant has been reported as germline in an individual with renal tumors (Wu et al. 2019. PubMed ID: 30548481). A functional study demonstrated partial disruption to catalytic activity and impaired multimerization (Table S1, Wilde et al. 2023. PubMed ID: 37255402). This variant is reported in 0.025% of alleles in individuals of East Asian descent in gnomAD. This variant has conflicting interpretations in ClinVar ranging from likely pathogenic to likely benign (Variation ID: 654367). At this time, the clinical significance of this variant is uncertain due to the absence of conclusive functional and genetic evidence.

Labcorp Genetics (formerly Invitae), Labcorp
Classification: Uncertain significance. Last evaluated: 2026-01-20. Review status: criteria provided, single submitter. Criteria: Invitae Variant Classification Sherloc (09022015). Collection method: clinical testing. Allele origin: germline.
Comment: This sequence change replaces valine, which is neutral and non-polar, with methionine, which is neutral and non-polar, at codon 139 of the FH protein (p.Val139Met). This variant is present in population databases (rs200343823, gnomAD 0.03%). This missense change has been observed in individual(s) with renal cancer (PMID: 30548481). ClinVar contains an entry for this variant (Variation ID: 654367). Invitae Evidence Modeling of protein sequence and biophysical properties (such as structural, functional, and spatial information, amino acid conservation, physicochemical variation, residue mobility, and thermodynamic stability) indicates that this missense variant is expected to disrupt FH protein function with a positive predictive value of 95%. In summary, the available evidence is currently insufficient to determine the role of this variant in disease. Therefore, it has been classified as a Variant of Uncertain Significance.

GeneDx
Classification: Uncertain significance. Last evaluated: 2024-10-23. Review status: criteria provided, single submitter. Criteria: GeneDx Variant Classification Process June 2021. Collection method: clinical testing. Allele origin: germline. Affected: yes.
Comment: In silico analysis supports that this missense variant has a deleterious effect on protein structure/function; This variant is associated with the following publications: (PMID: 30548481)

Blueprint Genetics
Classification: Uncertain significance. Last evaluated: 2024-10-09. Review status: criteria provided, single submitter. Criteria: ACMG Guidelines, 2015. Collection method: clinical testing. Allele origin: germline.

Myriad Genetics, Inc.
Classification: Likely benign for Hereditary leiomyomatosis and renal cell cancer. Last evaluated: 2024-08-20. Review status: criteria provided, single submitter. Criteria: Myriad Autosomal Dominant, Autosomal Recessive and X-Linked Classification Criteria (2023). Collection method: clinical testing. Allele origin: unknown.
Comment: This variant is considered likely benign. This variant has been observed at a population frequency that is significantly greater than expected given the associated disease prevalence and penetrance.

Baylor Genetics
Classification: Uncertain significance for Fumarase deficiency. Last evaluated: 2023-06-25. Review status: criteria provided, single submitter. Criteria: ACMG Guidelines, 2015. Collection method: clinical testing. Allele origin: unknown.

Quest Diagnostics Nichols Institute San Juan Capistrano
Classification: Uncertain significance. Last evaluated: 2023-05-09. Review status: criteria provided, single submitter. Criteria: Quest Diagnostics criteria. Collection method: clinical testing. Allele origin: unknown.
Comment: The frequency of this variant in the general population, 0.00025 (5/19944 chromosomes in East Asian subpopulation), is higher than would generally be expected for pathogenic variants in this gene. In the published literature, the variant has been reported in an individual with renal cancer (PMID: 30548481 (2019)). Analysis of this variant using bioinformatics tools for the prediction of the effect of amino acid changes on protein structure and function yielded predictions that this variant is damaging. Based on the available information, we are unable to determine the clinical significance of this variant.

Ambry Genetics
Classification: Likely benign for Hereditary cancer-predisposing syndrome. Last evaluated: 2022-12-22. Review status: criteria provided, single submitter. Criteria: Ambry Variant Classification Scheme 2023. Collection method: clinical testing. Allele origin: germline.

Department of Pathology and Laboratory Medicine, Sinai Health System
Classification: Uncertain significance for Hereditary leiomyomatosis and renal cell cancer; Fumarase deficiency. Last evaluated: 2022-02-25. Review status: criteria provided, single submitter. Criteria: ACMG Guidelines, 2015. Collection method: clinical testing. Allele origin: germline. Affected: yes.

Laboratory of Molecular Epidemiology of Birth Defects, West China Second University Hospital, Sichuan University
Classification: Likely pathogenic for Ovarian cancer. Last evaluated: 2022-01-01. Review status: criteria provided, single submitter. Criteria: ACMG Guidelines, 2015. Collection method: clinical testing. Allele origin: germline. Affected: yes.

Illumina Laboratory Services, Illumina
Classification: Uncertain significance for Fumarase deficiency. Last evaluated: 2017-04-27. Review status: criteria provided, single submitter. Criteria: ICSL Variant Classification Criteria 13 December 2019. Collection method: clinical testing. Allele origin: germline.

Illumina Laboratory Services, Illumina
Classification: Uncertain significance for Hereditary leiomyomatosis and renal cell cancer. Last evaluated: 2017-04-27. Review status: criteria provided, single submitter. Criteria: ICSL Variant Classification Criteria 13 December 2019. Collection method: clinical testing. Allele origin: germline.

Juno Genomics, Hangzhou Juno Genomics, Inc
Classification: Uncertain significance for Fumarase deficiency; Hereditary leiomyomatosis and renal cell cancer. Review status: criteria provided, single submitter. Criteria: ACMG Guidelines, 2015. Collection method: clinical testing. Allele origin: germline.
Comment: Absent from controls (or at extremely low frequency if recessive) in Genome Aggregation Database.;Multiple lines of computational evidence support a deleterious effect on the gene or gene product.

Natera, Inc.
Classification: Uncertain significance for Fumarase deficiency. Last evaluated: 2020-09-16. Review status: no assertion criteria provided. Collection method: clinical testing. Allele origin: germline. Not counted in ClinVar's aggregate classification.

Blake Wilde Laboratory, Roswell Park Comprehensive Cancer Center
No classification provided (evidence only). Condition: Hereditary leiomyomatosis and renal cell cancer. Review status: no classification provided. Collection method: in vitro. Allele origin: not applicable. Functional consequence: decreased enzyme activity. Not counted in ClinVar's aggregate classification.

Department of Pediatrics, Samsung Medical Center, Samsung Medical Center
Classification: Uncertain significance for Microcephaly. Review status: no assertion criteria provided. Criteria: ACMG Guidelines, 2015. Collection method: research. Allele origin: germline. Affected: yes. Not counted in ClinVar's aggregate classification.

Literature cited by the submitters: PubMed 30548481 (cited by 4 submitters).

NM_000143.4(FH):c.415G>A (p.Val139Met)

Gene: FH (fumarate hydratase; minus strand). Cytogenetic location: 1q43.
Variant type: single nucleotide variant.
Coding change: c.415G>A on transcript NM_000143.4 (MANE Select); coding-DNA position 415, G replaced by A.
Protein change: p.Val139Met; replaces valine 139 with methionine.
Molecular consequence: missense variant.
Genome position (GRCh38, 1-based): chr1:241,512,107, C>T on the plus strand (G>A on the coding strand, the complement: FH is on the minus strand). VCF-style: chr1-241512107-C-T. GRCh37 (hg19) VCF-style: chr1-241675407-C-T.
Other names: short protein forms V139M.
Identifiers: ClinVar variation 654367 (VCV000654367.32), dbSNP rs200343823, ClinGen allele CA1478683.